The following is an entry in ClinVar:

ClinVar aggregate classification (germline): Conflicting classifications of pathogenicity. Review status: criteria provided, conflicting classifications (1 of 4 stars). 5 submissions from 5 submitters: Uncertain significance (1); Likely benign (4). Last evaluated 2026-09-01.

Conditions:
Cardiovascular phenotype. Identifiers: MedGen CN230736.
Lethal congenital glycogen storage disease of heart. Also called: GLYCOGEN STORAGE DISEASE OF HEART; PHOSPHORYLASE KINASE DEFICIENCY OF HEART. Identifiers: Orphanet 439854, MedGen C1849813, MONDO:0009867, OMIM 261740.
Cardiomyopathy (CMYO). Also called: Cardiomyopathies. Identifiers: Orphanet 167848, MedGen C0878544, MONDO:0004994, HP:0001638. Inheritance: Various modes of inheritance.

Allele frequency attached by ClinVar (database versions not stated): gnomAD exomes below 0.00001 and 0.00001; TOPMed below 0.00001.
gnomAD v4.1: 6 of 1,409,900 alleles (0.00043%); highest among the groups gnomAD compares: Non-Finnish European, 0.00056%; no homozygotes.

Submissions (5):

CeGaT Center for Human Genetics Tuebingen
Classification: Likely benign. Last evaluated: 2026-09-01. Review status: criteria provided, single submitter. Criteria: CeGaT Center For Human Genetics Tuebingen Variant Classification Criteria Version 2. Collection method: clinical testing. Allele origin: germline. Affected: yes. Observed: 1 variant allele.
Comment: PRKAG2: BP4, BP7

Labcorp Genetics (formerly Invitae), Labcorp
Classification: Likely benign for Lethal congenital glycogen storage disease of heart. Last evaluated: 2024-10-27. Review status: criteria provided, single submitter. Criteria: Invitae Variant Classification Sherloc (09022015). Collection method: clinical testing. Allele origin: germline.

GeneDx
Classification: Uncertain significance. Last evaluated: 2022-04-07. Review status: criteria provided, single submitter. Criteria: GeneDx Variant Classification Process June 2021. Collection method: clinical testing. Allele origin: germline. Affected: yes.
Comment: Has not been previously published as pathogenic or benign to our knowledge; Not observed at significant frequency in large population cohorts (gnomAD); In silico analysis supports that this variant does not alter splicing

Ambry Genetics
Classification: Likely benign for Cardiovascular phenotype. Last evaluated: 2020-03-17. Review status: criteria provided, single submitter. Criteria: Ambry Variant Classification Scheme 2023. Collection method: clinical testing. Allele origin: germline.

Color Diagnostics, LLC DBA Color Health
Classification: Likely benign for Cardiomyopathy. Last evaluated: 2019-10-01. Review status: criteria provided, single submitter. Criteria: ACMG Guidelines, 2015. Collection method: clinical testing. Allele origin: germline.

NM_016203.4(PRKAG2):c.703C>T (p.Leu235=)

Genes: PRKAG2 (protein kinase AMP-activated non-catalytic subunit gamma 2; minus strand), LOC129999660 (ATAC-STARR-seq lymphoblastoid silent region 18823; plus strand). Cytogenetic location: 7q36.1.
Variant type: single nucleotide variant.
Coding change: c.703C>T on transcript NM_016203.4 (MANE Select); coding-DNA position 703, C replaced by T.
Protein change: p.Leu235=; no amino-acid change (leucine 235 retained).
Molecular consequence: synonymous variant. On other transcripts: 5 prime UTR variant (2).
Genome position (GRCh38, 1-based): chr7:151,632,120, G>A on the plus strand (C>T on the coding strand, the complement: PRKAG2 is on the minus strand). VCF-style: chr7-151632120-G-A. GRCh37 (hg19) VCF-style: chr7-151329206-G-A.
Other names: c.571C>T, p.Leu191= (NM_001040633.2); c.331C>T, p.Leu111= (NM_001304527.2, NM_001363698.2); c.-21C>T (NM_001304531.2, NM_024429.2).
Identifiers: ClinVar variation 533887 (VCV000533887.17), dbSNP rs1476121151, ClinGen allele CA458673158.